The following is an entry in ClinVar:

ClinVar aggregate classification (germline): Likely pathogenic (1 of 4 stars; one submission).

Conditions:
Primary ciliary dyskinesia 27. Also called: CILIARY DYSKINESIA, PRIMARY, 27, WITHOUT SITUS INVERSUS. Identifiers: Orphanet 244, MedGen C3809701, MONDO:0014215, OMIM 615504.

Submission:

Neuberg Centre For Genomic Medicine, NCGM
Classification: Likely pathogenic for Primary ciliary dyskinesia 27. Last evaluated: 2023-05-20. Review status: criteria provided, single submitter. Criteria: ACMG Guidelines, 2015. Collection method: clinical testing. Allele origin: germline. Inheritance: Autosomal recessive inheritance. Affected: yes.
Comment: The observed stop gained c.876T>G(p.Tyr292Ter) variant in CCDC65 gene has not been reported previously as a pathogenic variant nor as a benign variant, to our knowledge. This variant is absent in gnomAD Exomes. This variant is predicted to cause loss of normal protein function either through protein truncation or nonsense-mediated mRNA decay. Loss of function variants have been previously reported to be disease causing. Computational evidence (MutationTaster - Disease causing automatic) predicts damaging effect on protein structure and function for this variant. For these reasons, this variant has been classified as Likely Pathogenic.

NM_033124.5(CCDC65):c.876T>G (p.Tyr292Ter)

Gene: CCDC65 (coiled-coil domain containing 65; plus strand). Cytogenetic location: 12q13.12.
Variant type: single nucleotide variant.
Coding change: c.876T>G on transcript NM_033124.5 (MANE Select); coding-DNA position 876, T replaced by G.
Protein change: p.Tyr292Ter; replaces tyrosine 292 with a stop codon.
Molecular consequence: nonsense.
Genome position (GRCh38, 1-based): chr12:48,918,753, T>G. VCF-style: chr12-48918753-T-G. GRCh37 (hg19) VCF-style: chr12-49312536-T-G.
Other names: c.447T>G, p.Tyr149Ter (NM_001286957.2); short protein forms Y149*, Y292*.
Identifiers: ClinVar variation 3367020 (VCV003367020.1).